The following is an entry in ClinVar:

ClinVar aggregate classification (germline): Uncertain significance. Review status: criteria provided, multiple submitters, no conflicts (2 of 4 stars). 2 submissions from 2 submitters: Uncertain significance (2). Last evaluated 2025-12-27.

Conditions:
Hereditary cancer-predisposing syndrome. Also called: Hereditary Cancer Syndrome; Hereditary neoplastic syndrome; Tumor predisposition; Neoplastic Syndromes, Hereditary. Identifiers: Orphanet 140162, MedGen C0027672, MeSH D009386, MONDO:0015356.

Submissions (2):

Labcorp Genetics (formerly Invitae), Labcorp
Classification: Uncertain significance. Last evaluated: 2025-12-27. Review status: criteria provided, single submitter. Criteria: Invitae Variant Classification Sherloc (09022015). Collection method: clinical testing. Allele origin: germline.
Comment: This variant, c.87_89del, results in the deletion of 1 amino acid(s) of the FH protein (p.Gly30del), but otherwise preserves the integrity of the reading frame. This variant is present in population databases (rs752879506, gnomAD 0.01%). This variant has not been reported in the literature in individuals affected with FH-related conditions. ClinVar contains an entry for this variant (Variation ID: 1400619). Experimental studies and prediction algorithms are not available or were not evaluated, and the functional significance of this variant is currently unknown. In summary, the available evidence is currently insufficient to determine the role of this variant in disease. Therefore, it has been classified as a Variant of Uncertain Significance.

Ambry Genetics
Classification: Uncertain significance for Hereditary cancer-predisposing syndrome. Last evaluated: 2025-09-30. Review status: criteria provided, single submitter. Criteria: Ambry Variant Classification Scheme 2023. Collection method: clinical testing. Allele origin: germline.
Comment: The c.87_89delTGG variant (also known as p.G30del) is located in coding exon 1 of the FH gene. This variant results from an in-frame TGG deletion at nucleotide positions 87 to 89. This results in the in-frame deletion of a glycine at codon 30. This amino acid position is well conserved in available vertebrate species. In addition, this variant is predicted to be neutral by in silico analysis (Choi Y et al. PLoS ONE. 2012; 7(10):e46688). Based on the available evidence, the clinical significance of this variant remains unclear.

NM_000143.4(FH):c.87_89del (p.Gly30del)

Gene: FH (fumarate hydratase; minus strand). Cytogenetic location: 1q43.
Variant type: Deletion.
Coding change: c.87_89del on transcript NM_000143.4 (MANE Select); coding-DNA positions 87 to 89, 3 bases deleted (TGG; older notation c.87_89delTGG).
Protein change: p.Gly30del; deletes glycine 30.
Molecular consequence: inframe deletion.
Genome position (GRCh38, 1-based): chr1:241,519,634-241,519,636, CCA deleted on the plus strand (TGG on the coding strand, the reverse complement: FH is on the minus strand); deleting any 3 consecutive bases within chr1:241,519,634-241,519,638 gives the same sequence; the c. name uses the placement nearest the transcript's 3' end. VCF-style (leftmost placement, unchanged base first): chr1-241519633-GCCA-G. GRCh37 (hg19) VCF-style: chr1-241682933-GCCA-G.
Other names: c.87_89delTGG (NM_000143.3); short protein forms G30del.
Identifiers: ClinVar variation 1400619 (VCV001400619.7), dbSNP rs752879506, ClinGen allele CA1478776.